The following is an entry in ClinVar:

NM_021023.6(CFHR3):c.354C>A (p.Tyr118Ter)

Gene: CFHR3 (complement factor H related 3; plus strand). Cytogenetic location: 1q31.3.
Variant type: single nucleotide variant.
Coding change: c.354C>A on transcript NM_021023.6 (MANE Select); coding-DNA position 354, C replaced by A.
Protein change: p.Tyr118Ter; replaces tyrosine 118 with a stop codon.
Molecular consequence: nonsense.
Genome position (GRCh38, 1-based): chr1:196,779,897, C>A. VCF-style: chr1-196779897-C-A. GRCh37 (hg19) VCF-style: chr1-196749027-C-A.
Other names: c.354C>A, p.Tyr118Ter (NM_001166624.2); short protein forms Y118*.
Identifiers: ClinVar variation 1163766 (VCV001163766.8), dbSNP rs144398879, ClinGen allele CA1306118.

ClinVar aggregate classification (germline): Uncertain significance. Review status: criteria provided, multiple submitters, no conflicts (2 of 4 stars). 2 submissions from 2 submitters: Uncertain significance (2). Last evaluated 2025-09-24.

Allele frequency attached by ClinVar (database versions not stated): 1000 Genomes Project 30x 0.00016; 1000 Genomes Project 0.00020; ESP Exome Variant Server 0.00141.
gnomAD v4.1: 176 of 1,533,172 alleles (0.011%); highest among the groups gnomAD compares: African/African-American, 0.26%; 52 homozygotes.

Submissions (2):

Women's Health and Genetics/Laboratory Corporation of America, LabCorp
Classification: Uncertain significance. Last evaluated: 2025-09-24. Review status: criteria provided, single submitter. Criteria: LabCorp Variant Classification Summary - May 2015. Collection method: clinical testing. Allele origin: germline.
Comment: Variant summary: CFHR3 c.354C>A (p.Tyr118X) results in a premature termination codon, predicted to cause a truncation of the encoded protein or absence of the protein due to nonsense mediated decay, however current evidence is not sufficient to establish loss of function as a mechanism for disease. The variant allele was found at a frequency of 0.00014 in 238676 control chromosomes in the gnomAD database, including 8 homozygotes. This frequency is not significantly higher than estimated for disease-causing variants in CFHR3, allowing no conclusion about variant significance. To our knowledge, no occurrence of c.354C>A in individuals affected with CFHR3-related conditions and no experimental evidence demonstrating its impact on protein function have been reported. ClinVar contains an entry for this variant (Variation ID: 1163766). Based on the evidence outlined above, the variant was classified as uncertain significance.

Mayo Clinic Laboratories, Mayo Clinic
Classification: Uncertain significance. Last evaluated: 2021-08-20. Review status: criteria provided, single submitter. Criteria: ACMG Guidelines, 2015. Collection method: clinical testing. Allele origin: germline.